The following is an entry in ClinVar:

ClinVar aggregate classification (germline): Uncertain significance. Review status: criteria provided, multiple submitters, no conflicts (2 of 4 stars). 4 submissions from 4 submitters: Uncertain significance (4). Last evaluated 2025-11-09.

Conditions:
Cardiomyopathy (CMYO). Also called: Cardiomyopathies. Identifiers: Orphanet 167848, MedGen C0878544, MONDO:0004994, HP:0001638. Inheritance: Various modes of inheritance.
Cardiovascular phenotype. Identifiers: MedGen CN230736.
Arrhythmogenic right ventricular dysplasia 11. Also called: Arrhythmogenic Right Ventricular Dysplasia/Cardiomyopathy11; ARRHYTHMOGENIC RIGHT VENTRICULAR DYSPLASIA, FAMILIAL, 11; Arrhythmogenic right ventricular dysplasia 11 with mild palmoplantar keratoderma and woolly hair. Identifiers: MedGen C1864850, MONDO:0012506, OMIM 610476.

Allele frequency attached by ClinVar (database versions not stated): gnomAD 0.00003; TOPMed 0.00003; gnomAD exomes below 0.00001.
gnomAD v4.1: 6 of 1,614,044 alleles (0.00037%); highest among the groups gnomAD compares: African/African-American, 0.008%; no homozygotes.

Submissions (4):

Labcorp Genetics (formerly Invitae), Labcorp
Classification: Uncertain significance for Arrhythmogenic right ventricular dysplasia 11. Last evaluated: 2025-11-09. Review status: criteria provided, single submitter. Criteria: Invitae Variant Classification Sherloc (09022015). Collection method: clinical testing. Allele origin: germline.
Comment: This sequence change replaces threonine, which is neutral and polar, with alanine, which is neutral and non-polar, at codon 278 of the DSC2 protein (p.Thr278Ala). This variant is present in population databases (no rsID available, gnomAD 0.007%). This variant has not been reported in the literature in individuals affected with DSC2-related conditions. ClinVar contains an entry for this variant (Variation ID: 1762947). Invitae Evidence Modeling of protein sequence and biophysical properties (such as structural, functional, and spatial information, amino acid conservation, physicochemical variation, residue mobility, and thermodynamic stability) indicates that this missense variant is expected to disrupt DSC2 protein function with a positive predictive value of 80%. In summary, the available evidence is currently insufficient to determine the role of this variant in disease. Therefore, it has been classified as a Variant of Uncertain Significance.

Color Diagnostics, LLC DBA Color Health
Classification: Uncertain significance for Cardiomyopathy. Last evaluated: 2025-08-22. Review status: criteria provided, single submitter. Criteria: ACMG Guidelines, 2015. Collection method: clinical testing. Allele origin: germline.
Comment: This missense variant replaces threonine with alanine at codon 278 of the DSC2 protein. Computational prediction suggests that this variant may not impact protein structure and function. To our knowledge, functional studies have not been reported for this variant. This variant has not been reported in individuals affected with DSC2-related disorders in the literature. This variant has been identified in 1/251368 chromosomes in the general population by the Genome Aggregation Database (gnomAD). The available evidence is insufficient to determine the role of this variant in disease conclusively. Therefore, this variant is classified as a Variant of Uncertain Significance.

GeneDx
Classification: Uncertain significance. Last evaluated: 2025-06-28. Review status: criteria provided, single submitter. Criteria: GeneDx Variant Classification Process June 2021. Collection method: clinical testing. Allele origin: germline. Affected: yes.
Comment: Not observed at significant frequency in large population cohorts (gnomAD); In silico analysis supports that this missense variant has a deleterious effect on protein structure/function; Has not been previously published as pathogenic or benign to our knowledge

Ambry Genetics
Classification: Uncertain significance for Cardiovascular phenotype. Last evaluated: 2021-03-18. Review status: criteria provided, single submitter. Criteria: Ambry Variant Classification Scheme 2023. Collection method: clinical testing. Allele origin: germline.
Comment: The p.T278A variant (also known as c.832A>G), located in coding exon 7 of the DSC2 gene, results from an A to G substitution at nucleotide position 832. The threonine at codon 278 is replaced by alanine, an amino acid with similar properties. This amino acid position is well conserved in available vertebrate species. In addition, this alteration is predicted to be tolerated by in silico analysis. Since supporting evidence is limited at this time, the clinical significance of this alteration remains unclear.

NM_024422.6(DSC2):c.832A>G (p.Thr278Ala)

Gene: DSC2 (desmocollin 2; minus strand). Cytogenetic location: 18q12.1.
Variant type: single nucleotide variant.
Coding change: c.832A>G on transcript NM_024422.6 (MANE Select); coding-DNA position 832, A replaced by G.
Protein change: p.Thr278Ala; replaces threonine 278 with alanine.
Molecular consequence: missense variant.
Genome position (GRCh38, 1-based): chr18:31,086,686, T>C on the plus strand (A>G on the coding strand, the complement: DSC2 is on the minus strand). VCF-style: chr18-31086686-T-C. GRCh37 (hg19) VCF-style: chr18-28666649-T-C.
Other names: c.403A>G, p.Thr135Ala (NM_001406506.1, NM_001406507.1); c.832A>G, p.Thr278Ala (NM_004949.5); short protein forms T278A, T135A.
Identifiers: ClinVar variation 1762947 (VCV001762947.9), dbSNP rs1454539218, ClinGen allele CA402112201.